The following is an entry in ClinVar:

NM_001099922.3(ALG13):c.2630C>G (p.Thr877Ser)

Gene: ALG13 (ALG13 UDP-N-acetylglucosaminyltransferase subunit; plus strand). Cytogenetic location: Xq23.
Variant type: single nucleotide variant.
Coding change: c.2630C>G on transcript NM_001099922.3 (MANE Select); coding-DNA position 2630, C replaced by G.
Protein change: p.Thr877Ser; replaces threonine 877 with serine.
Molecular consequence: missense variant. On other transcripts: non-coding transcript variant (1).
Genome position (GRCh38, 1-based): chrX:111,736,814, C>G. VCF-style: chrX-111736814-C-G. GRCh37 (hg19) VCF-style: chrX-110980042-C-G.
Other names: c.2318C>G, p.Thr773Ser (NM_001257234.2, NM_001257237.2, NM_001257230.2); c.2630C>G, p.Thr877Ser (NM_001324292.2); c.2144C>G, p.Thr715Ser (NM_001324293.1); c.2396C>G, p.Thr799Ser (NM_001257231.2); short protein forms T715S, T773S, T799S, T877S.
Identifiers: ClinVar variation 3361619 (VCV003361619.1).

ClinVar aggregate classification (germline): Uncertain significance (1 of 4 stars; one submission).

Submission:

GeneDx
Classification: Uncertain significance. Last evaluated: 2023-07-31. Review status: criteria provided, single submitter. Criteria: GeneDx Variant Classification Process June 2021. Collection method: clinical testing. Allele origin: germline. Affected: yes.
Comment: Not observed at significant frequency in large population cohorts (gnomAD); In silico analysis supports that this missense variant does not alter protein structure/function; Has not been previously published as pathogenic or benign to our knowledge